The following is an entry in ClinVar:

ClinVar aggregate classification (germline): Pathogenic (1 of 4 stars; one submission).

Conditions:
Familial cancer of breast. Also called: Hereditary breast cancer; BREAST CANCER, FAMILIAL; hereditary breast carcinoma. Identifiers: Orphanet 227535, MedGen C0346153, MONDO:0016419, OMIM 114480. Disease mechanism: loss of function.

Submission:

Myriad Genetics, Inc.
Classification: Pathogenic for Familial cancer of breast. Last evaluated: 2023-05-24. Review status: criteria provided, single submitter. Criteria: Myriad Autosomal Dominant, Autosomal Recessive and X-Linked Classification Criteria (2023). Collection method: clinical testing. Allele origin: unknown.
Comment: This variant is considered pathogenic. This variant creates a frameshift predicted to result in premature protein truncation.

NM_000465.4(BARD1):c.1910_1911dup (p.Ala638fs)

Gene: BARD1 (BRCA1 associated RING domain 1; minus strand). Cytogenetic location: 2q35.
Variant type: Duplication.
Coding change: c.1910_1911dup on transcript NM_000465.4 (MANE Select); coding-DNA positions 1910 to 1911, 2 bases duplicated (AA; older notation c.1910_1911dupAA).
Protein change: p.Ala638fs; shifts the reading frame from alanine 638.
Molecular consequence: frameshift variant. On other transcripts: non-coding transcript variant (3).
Genome position (GRCh38, 1-based): chr2:214,730,501-214,730,502, TT duplicated on the plus strand (AA on the coding strand, the reverse complement: BARD1 is on the minus strand); duplicating any 2 consecutive bases within chr2:214,730,501-214,730,504 gives the same sequence; the c. name uses the placement nearest the transcript's 3' end. VCF-style (leftmost placement, unchanged base first): chr2-214730500-C-CTT. GRCh37 (hg19) VCF-style: chr2-215595224-C-CTT.
Other names: c.1853_1854dup, p.Ala619fs (NM_001282543.2); c.557_558dup, p.Ala187fs (NM_001282545.2); c.500_501dup, p.Ala168fs (NM_001282548.2); c.371_372dup, p.Ala125fs (NM_001282549.2); short protein forms A125fs, A168fs, A187fs, A619fs, A638fs.
Identifiers: ClinVar variation 2583692 (VCV002583692.2), dbSNP rs2469277857, ClinGen allele CA2582342063.